The following is an entry in ClinVar:

NM_177438.3(DICER1):c.5651dup (p.Val1885fs)

Gene: DICER1 (dicer 1, ribonuclease III; minus strand). Cytogenetic location: 14q32.13.
Variant type: Duplication.
Coding change: c.5651dup on transcript NM_177438.3 (MANE Select); coding-DNA position 5651, one base duplicated (T; older notation c.5651dupT).
Protein change: p.Val1885fs; shifts the reading frame from valine 1885.
Molecular consequence: frameshift variant. On other transcripts: stop lost (1), non-coding transcript variant (6).
Genome position (GRCh38, 1-based): chr14:95,090,616, A duplicated on the plus strand (T on the coding strand, the reverse complement: DICER1 is on the minus strand). VCF-style (leftmost placement, unchanged base first): chr14-95090615-T-TA. GRCh37 (hg19) VCF-style: chr14-95556952-T-TA.
Other names: c.5488dup, p.Ter1830LeuextTer? (NM_001195573.1); c.5651dup, p.Val1885fs (NM_001271282.3, NM_001291628.2, NM_001395677.1 and 7 more transcripts); c.5651dup, p.Val1885Serfs (NM_001395681.1); c.5369dup, p.Val1791fs (NM_001395686.1); c.5246dup, p.Val1750fs (NM_001395687.1, NM_001395688.1, NM_001395689.1 and 1 more transcripts); c.5084dup, p.Val1696fs (NM_001395691.1); c.3968dup, p.Val1324fs (NM_001395697.1); short protein forms V1750fs, V1324fs, V1696fs, V1791fs, V1885fs.
Identifiers: ClinVar variation 2089163 (VCV002089163.4), dbSNP rs2542391550, ClinGen allele CA2580088964.

ClinVar aggregate classification (germline): Uncertain significance (1 of 4 stars; one submission).

Conditions:
DICER1-related tumor predisposition. Also called: DICER1-related pleuropulmonary blastoma cancer predisposition syndrome; DICER1 syndrome. Identifiers: Orphanet 284343, MedGen C3839822, MONDO:0100216.

Submission:

Labcorp Genetics (formerly Invitae), Labcorp
Classification: Uncertain significance for DICER1-related tumor predisposition. Last evaluated: 2022-01-24. Review status: criteria provided, single submitter. Criteria: Invitae Variant Classification Sherloc (09022015). Collection method: clinical testing. Allele origin: germline.
Comment: In summary, the available evidence is currently insufficient to determine the role of this variant in disease. Therefore, it has been classified as a Variant of Uncertain Significance. Experimental studies and prediction algorithms are not available or were not evaluated, and the functional significance of this variant is currently unknown. This variant has not been reported in the literature in individuals affected with DICER1-related conditions. This variant is not present in population databases (gnomAD no frequency). This sequence change creates a premature translational stop signal (p.Val1885Serfs*7) in the DICER1 gene. While this is not anticipated to result in nonsense mediated decay, it is expected to disrupt the last 38 amino acid(s) of the DICER1 protein.